The following is an entry in ClinVar:

ClinVar aggregate classification (germline): Uncertain significance (1 of 4 stars; one submission).

Conditions:
Inborn genetic diseases. Identifiers: MedGen C0950123, MeSH D030342.

Submission:

Ambry Genetics
Classification: Uncertain significance for Inborn genetic diseases. Last evaluated: 2025-04-25. Review status: criteria provided, single submitter. Criteria: Ambry Variant Classification Scheme 2023. Collection method: clinical testing. Allele origin: germline.
Comment: The p.M501V variant (also known as c.1501A>G), located in coding exon 11 of the BMPR2 gene, results from an A to G substitution at nucleotide position 1501. The methionine at codon 501 is replaced by valine, an amino acid with highly similar properties. This amino acid position is conserved. In addition, the in silico prediction for this alteration is inconclusive. Based on the available evidence, the clinical significance of this variant remains unclear.

NM_001204.7(BMPR2):c.1501A>G (p.Met501Val)

Gene: BMPR2 (bone morphogenetic protein receptor type 2; plus strand). Cytogenetic location: 2q33.2.
Variant type: single nucleotide variant.
Coding change: c.1501A>G on transcript NM_001204.7 (MANE Select); coding-DNA position 1501, A replaced by G.
Protein change: p.Met501Val; replaces methionine 501 with valine.
Molecular consequence: missense variant.
Genome position (GRCh38, 1-based): chr2:202,552,803, A>G. VCF-style: chr2-202552803-A-G. GRCh37 (hg19) VCF-style: chr2-203417526-A-G.
Other names: short protein forms M501V.
Identifiers: ClinVar variation 3992134 (VCV003992134.1).
Genomic context (GRCh38, chr2:202,552,803, plus strand): 5'-GAAGACTGTTGGGACCAGGATGCAGAGGCTCGGCTTACTGCACAGTGTGCTGAGGAAAGG[A>G]TGGCTGAACTTATGATGATTTGGGAAAGAAACAAATCTGTGAGCCCAACAGTCAATCCAA-3'
Protein context (NP_001195.2, residues 491-511): RLTAQCAEER[Met501Val]AELMMIWERN